The following is an entry in ClinVar:

ClinVar aggregate classification (germline): Uncertain significance. Review status: criteria provided, multiple submitters, no conflicts (2 of 4 stars). 2 submissions from 2 submitters: Uncertain significance (2). Last evaluated 2024-11-15.

Conditions:
POLD1-related polyposis and colorectal cancer syndrome (CRCS10). Also called: Colorectal cancer 10; COLORECTAL CANCER, SUSCEPTIBILITY TO, ON CHROMOSOME 19q; Colorectal cancer, susceptibility to, 10. Identifiers: Orphanet 220460, MedGen C2675481, MONDO:0012953, OMIM 612591.
Hereditary cancer-predisposing syndrome. Also called: Tumor predisposition; Hereditary Cancer Syndrome; Hereditary neoplastic syndrome; Neoplastic Syndromes, Hereditary. Identifiers: Orphanet 140162, MedGen C0027672, MeSH D009386, MONDO:0015356.

Submissions (2):

Labcorp Genetics (formerly Invitae), Labcorp
Classification: Uncertain significance for POLD1-related polyposis and colorectal cancer syndrome. Last evaluated: 2024-11-15. Review status: criteria provided, single submitter. Criteria: Invitae Variant Classification Sherloc (09022015). Collection method: clinical testing. Allele origin: germline.
Comment: This sequence change replaces aspartic acid, which is acidic and polar, with alanine, which is neutral and non-polar, at codon 877 of the POLD1 protein (p.Asp877Ala). This variant is not present in population databases (gnomAD no frequency). This variant has not been reported in the literature in individuals affected with POLD1-related conditions. ClinVar contains an entry for this variant (Variation ID: 1794045). Invitae Evidence Modeling of protein sequence and biophysical properties (such as structural, functional, and spatial information, amino acid conservation, physicochemical variation, residue mobility, and thermodynamic stability) indicates that this missense variant is expected to disrupt POLD1 protein function with a positive predictive value of 80%. In summary, the available evidence is currently insufficient to determine the role of this variant in disease. Therefore, it has been classified as a Variant of Uncertain Significance.

Ambry Genetics
Classification: Uncertain significance for Hereditary cancer-predisposing syndrome. Last evaluated: 2022-07-28. Review status: criteria provided, single submitter. Criteria: Ambry Variant Classification Scheme 2023. Collection method: clinical testing. Allele origin: germline.
Comment: The p.D877A variant (also known as c.2630A>C), located in coding exon 20 of the POLD1 gene, results from an A to C substitution at nucleotide position 2630. The aspartic acid at codon 877 is replaced by alanine, an amino acid with dissimilar properties. This amino acid position is conserved. In addition, the in silico prediction for this alteration is inconclusive. Since supporting evidence is limited at this time, the clinical significance of this alteration remains unclear.

NM_002691.4(POLD1):c.2630A>C (p.Asp877Ala)

Gene: POLD1 (DNA polymerase delta 1, catalytic subunit; plus strand). Cytogenetic location: 19q13.33.
Variant type: single nucleotide variant.
Coding change: c.2630A>C on transcript NM_002691.4 (MANE Select); coding-DNA position 2630, A replaced by C.
Protein change: p.Asp877Ala; replaces aspartic acid 877 with alanine.
Molecular consequence: missense variant. On other transcripts: non-coding transcript variant (1).
Genome position (GRCh38, 1-based): chr19:50,415,503, A>C. VCF-style: chr19-50415503-A-C. GRCh37 (hg19) VCF-style: chr19-50918760-A-C.
Other names: c.2630A>C, p.Asp877Ala (NM_001256849.1); c.2708A>C, p.Asp903Ala (NM_001308632.1); short protein forms D903A, D877A.
Identifiers: ClinVar variation 1794045 (VCV001794045.7), dbSNP rs1263981527, ClinGen allele CA406985486.